The following is an entry in ClinVar:

NM_001184880.2(PCDH19):c.2714A>G (p.Lys905Arg)

Gene: PCDH19 (protocadherin 19; minus strand). Cytogenetic location: Xq22.1.
Variant type: single nucleotide variant.
Coding change: c.2714A>G on transcript NM_001184880.2 (MANE Select); coding-DNA position 2714, A replaced by G.
Protein change: p.Lys905Arg; replaces lysine 905 with arginine.
Molecular consequence: missense variant.
Genome position (GRCh38, 1-based): chrX:100,342,037, T>C on the plus strand (A>G on the coding strand, the complement: PCDH19 is on the minus strand). VCF-style: chrX-100342037-T-C. GRCh37 (hg19) VCF-style: chrX-99597035-T-C.
Other names: c.2573A>G, p.Lys858Arg (NM_001105243.2); c.2570A>G, p.Lys857Arg (NM_020766.3); short protein forms K857R, K858R, K905R.
Identifiers: ClinVar variation 2572812 (VCV002572812.4), dbSNP rs1408070082, ClinGen allele CA414000209.
Genomic context (GRCh38, chrX:100,342,037, plus strand): 5'-AGGCTCCGCTGGACATCATGCTCACTGTCAGTTTGGTCACTCTCCTCATGTCCACTATCC[T>C]TCAGGCTGTTGCCCTCTAAGTCCTTGAAGGTGGAGCTGCTGGGTTGAAGACAGAATGATA-3'
Protein context (NP_001171809.1, residues 895-915): TFKDLEGNSL[Lys905Arg]DSGHEESDQT

ClinVar aggregate classification (germline): Uncertain significance. Review status: criteria provided, multiple submitters, no conflicts (2 of 4 stars). 2 submissions from 2 submitters: Uncertain significance (2). Last evaluated 2024-09-27.

Conditions:
Developmental and epileptic encephalopathy, 9 (DEE9). Also called: JUBERG-HELLMAN SYNDROME; PCDH19-Related X-Linked Female-Limited Epilepsy with Mental Retardation; Early infantile epileptic encephalopathy 9; EPILEPSY, FEMALE-RESTRICTED, WITH MENTAL RETARDATION. Identifiers: Orphanet 101039, Orphanet 2076, MedGen C1848137, MONDO:0010246, OMIM 300088. Disease mechanism: loss of function.

Allele frequency attached by ClinVar (database versions not stated): gnomAD exomes below 0.00001; gnomAD 0.00001; TOPMed 0.00001.
gnomAD v4.1: 4 of 1,208,789 alleles (0.00033%); highest among the groups gnomAD compares: African/African-American, 0.0018%; no homozygotes.

Submissions (2):

Labcorp Genetics (formerly Invitae), Labcorp
Classification: Uncertain significance for Developmental and epileptic encephalopathy, 9. Last evaluated: 2024-09-27. Review status: criteria provided, single submitter. Criteria: Invitae Variant Classification Sherloc (09022015). Collection method: clinical testing. Allele origin: germline.
Comment: This sequence change replaces lysine, which is basic and polar, with arginine, which is basic and polar, at codon 905 of the PCDH19 protein (p.Lys905Arg). This variant is not present in population databases (gnomAD no frequency). This variant has not been reported in the literature in individuals affected with PCDH19-related conditions. ClinVar contains an entry for this variant (Variation ID: 2572812). Invitae Evidence Modeling of protein sequence and biophysical properties (such as structural, functional, and spatial information, amino acid conservation, physicochemical variation, residue mobility, and thermodynamic stability) indicates that this missense variant is not expected to disrupt PCDH19 protein function with a negative predictive value of 95%. In summary, the available evidence is currently insufficient to determine the role of this variant in disease. Therefore, it has been classified as a Variant of Uncertain Significance.

GeneDx
Classification: Uncertain significance. Last evaluated: 2023-11-01. Review status: criteria provided, single submitter. Criteria: GeneDx Variant Classification Process June 2021. Collection method: clinical testing. Allele origin: germline. Affected: yes.
Comment: Not observed at significant frequency in large population cohorts (gnomAD); Missense variants in this gene are a common cause of disease and they are underrepresented in the general population; In silico analysis supports that this missense variant does not alter protein structure/function; Has not been previously published as pathogenic or benign to our knowledge